The following is an entry in ClinVar:

NM_001379500.1(COL18A1):c.1882G>A (p.Ala628Thr)

Gene: COL18A1 (collagen type XVIII alpha 1 chain; plus strand). Cytogenetic location: 21q22.3.
Variant type: single nucleotide variant.
Coding change: c.1882G>A on transcript NM_001379500.1 (MANE Select); coding-DNA position 1882, G replaced by A.
Protein change: p.Ala628Thr; replaces alanine 628 with threonine.
Molecular consequence: missense variant.
Genome position (GRCh38, 1-based): chr21:45,487,495, G>A. VCF-style: chr21-45487495-G-A. GRCh37 (hg19) VCF-style: chr21-46907409-G-A.
Other names: NM_130445.2:c.1882G>A; c.2422G>A, p.Ala808Thr (NM_030582.4); c.3127G>A, p.Ala1043Thr (NM_130444.3); c.2422G>A (NM_030582.3); short protein forms A808T, A1043T.
Identifiers: ClinVar variation 447116 (VCV000447116.14), dbSNP rs181012655, ClinGen allele CA10066589.

ClinVar aggregate classification (germline): Conflicting classifications of pathogenicity. Review status: criteria provided, conflicting classifications (1 of 4 stars). 5 submissions from 5 submitters: Uncertain significance (2); Likely benign (3). Last evaluated 2026-02-25.

Conditions:
COL18A1-related disorder. Also called: COL18A1-related condition; COL18A1-related disorders.

Allele frequency attached by ClinVar (database versions not stated): gnomAD exomes 0.00007 and 0.00016; ExAC 0.00019; ESP Exome Variant Server 0.00056; gnomAD 0.00064 and 0.00066; TOPMed 0.00070; 1000 Genomes Project 0.00120; 1000 Genomes Project 30x 0.00125.
gnomAD v4.1: 203 of 1,613,016 alleles (0.013%); highest among the groups gnomAD compares: African/African-American, 0.21%; no homozygotes.

Submissions (5):

GeneDx
Classification: Uncertain significance. Last evaluated: 2026-02-25. Review status: criteria provided, single submitter. Criteria: GeneDx Variant Classification Process June 2021. Collection method: clinical testing. Allele origin: germline.
Comment: In silico analysis indicates that this missense variant does not alter protein structure/function; Has not been previously published as pathogenic or benign to our knowledge

Labcorp Genetics (formerly Invitae), Labcorp
Classification: Likely benign. Last evaluated: 2026-01-14. Review status: criteria provided, single submitter. Criteria: Invitae Variant Classification Sherloc (09022015). Collection method: clinical testing. Allele origin: germline.

PreventionGenetics, part of Exact Sciences
Classification: Likely benign for COL18A1-related condition. Last evaluated: 2024-11-28. Review status: criteria provided, single submitter. Criteria: ACMG Guidelines, 2015. Collection method: clinical testing. Allele origin: germline.
Comment: This variant is classified as likely benign based on ACMG/AMP sequence variant interpretation guidelines (Richards et al. 2015 PMID: 25741868, with internal and published modifications).

Blueprint Genetics
Classification: Likely benign. Last evaluated: 2024-02-16. Review status: criteria provided, single submitter. Criteria: ACMG Guidelines, 2015. Collection method: clinical testing. Allele origin: germline.

Athena Diagnostics
Classification: Uncertain significance. Last evaluated: 2017-05-08. Review status: criteria provided, single submitter. Criteria: Athena Diagnostics Criteria. Collection method: clinical testing. Allele origin: germline.